The following is an entry in ClinVar:

ClinVar aggregate classification (germline): Uncertain significance (1 of 4 stars; one submission).

Submission:

GeneDx
Classification: Uncertain significance. Last evaluated: 2023-11-01. Review status: criteria provided, single submitter. Criteria: GeneDx Variant Classification Process June 2021. Collection method: clinical testing. Allele origin: germline. Affected: yes.
Comment: Not observed at significant frequency in large population cohorts (gnomAD); In silico analysis supports that this missense variant does not alter protein structure/function; Has not been previously published as pathogenic or benign to our knowledge

NM_201599.3(ZMYM3):c.3136G>A (p.Glu1046Lys)

Gene: ZMYM3 (zinc finger MYM-type containing 3; minus strand). Cytogenetic location: Xq13.1.
Variant type: single nucleotide variant.
Coding change: c.3136G>A on transcript NM_201599.3 (MANE Select); coding-DNA position 3136, G replaced by A.
Protein change: p.Glu1046Lys; replaces glutamic acid 1046 with lysine.
Molecular consequence: missense variant.
Genome position (GRCh38, 1-based): chrX:71,244,446, C>T on the plus strand (G>A on the coding strand, the complement: ZMYM3 is on the minus strand). VCF-style: chrX-71244446-C-T. GRCh37 (hg19) VCF-style: chrX-70464296-C-T.
Other names: c.3100G>A, p.Glu1034Lys (NM_001171162.1); c.3136G>A, p.Glu1046Lys (NM_005096.3); short protein forms E1034K, E1046K.
Identifiers: ClinVar variation 3363754 (VCV003363754.1).